The following is an entry in ClinVar:

NM_004958.4(MTOR):c.585dup (p.Val196fs)

Gene: MTOR (mechanistic target of rapamycin kinase; minus strand). Cytogenetic location: 1p36.22.
Variant type: Duplication.
Coding change: c.585dup on transcript NM_004958.4 (MANE Select); coding-DNA position 585, one base duplicated (T; older notation c.585dupT).
Protein change: p.Val196fs; shifts the reading frame from valine 196.
Molecular consequence: frameshift variant. On other transcripts: 5 prime UTR variant (1).
Genome position (GRCh38, 1-based): chr1:11,256,112, A duplicated on the plus strand (T on the coding strand, the reverse complement: MTOR is on the minus strand); the first of 5 consecutive A bases (chr1:11,256,112-11,256,116); duplicating any one gives the same sequence. VCF-style (leftmost placement, unchanged base first): chr1-11256111-C-CA. GRCh37 (hg19) VCF-style: chr1-11316168-C-CA.
Other names: c.585dup, p.Val196fs (NM_001386500.1); c.-555dup (NM_001386501.1); short protein forms V196fs.
Identifiers: ClinVar variation 1466449 (VCV001466449.6), dbSNP rs2100975232, ClinGen allele CA2573130710.
Genomic context (GRCh38, chr1:11,256,111, plus strand): 5'-AGGCACGAAGGGCGGCTACAGCTCCCTCACGGATGGCCTGTTTGGGGTCCCACACGGCCA[C>CA]AAAAATGTTGTCAAAGAAGGGTTGCACTTGCTGGAAGAAGAAGGTAGGGACGCTGATGGC-3'

ClinVar aggregate classification (germline): Uncertain significance (1 of 4 stars; one submission).

Submission:

Labcorp Genetics (formerly Invitae), Labcorp
Classification: Uncertain significance. Last evaluated: 2022-11-15. Review status: criteria provided, single submitter. Criteria: Invitae Variant Classification Sherloc (09022015). Collection method: clinical testing. Allele origin: germline.
Comment: In summary, the available evidence is currently insufficient to determine the role of this variant in disease. Therefore, it has been classified as a Variant of Uncertain Significance. ClinVar contains an entry for this variant (Variation ID: 1466449). This variant has not been reported in the literature in individuals affected with MTOR-related conditions. This variant is not present in population databases (gnomAD no frequency). This sequence change creates a premature translational stop signal (p.Val196Cysfs*12) in the MTOR gene. It is expected to result in an absent or disrupted protein product. However, the current clinical and genetic evidence is not sufficient to establish whether loss-of-function variants in MTOR cause disease.